The following is an entry in ClinVar:

NM_005422.4(TECTA):c.6086T>C (p.Phe2029Ser)

Genes: TBCEL-TECTA (TBCEL-TECTA readthrough; plus strand), TECTA (tectorin alpha; plus strand). Cytogenetic location: 11q23.3.
Variant type: single nucleotide variant.
Coding change: c.6086T>C on transcript NM_005422.4 (MANE Select); coding-DNA position 6086, T replaced by C.
Protein change: p.Phe2029Ser; replaces phenylalanine 2029 with serine.
Molecular consequence: missense variant.
Genome position (GRCh38, 1-based): chr11:121,187,918, T>C. VCF-style: chr11-121187918-T-C. GRCh37 (hg19) VCF-style: chr11-121058627-T-C.
Other names: c.7028T>C, p.Phe2343Ser (NM_001378761.1); short protein forms F2029S, F2343S.
Identifiers: ClinVar variation 1312527 (VCV001312527.3), dbSNP rs2134215635, ClinGen allele CA383009711.
Genomic context (GRCh38, chr11:121,187,918, plus strand): 5'-TTGGCATCGAGGAGAATGCAGTCTCCCTGACCTGTCGCTTTCACGTCACCGTCTTTAAAT[T>C]CATAGGGGATTACGACGAAGTTCACCTTCACTGTGCAGTGTCACTCTGCGACTCAGAAAA-3'
Protein context (NP_005413.2, residues 2019-2039): TCRFHVTVFK[Phe2029Ser]IGDYDEVHLH

ClinVar aggregate classification (germline): Uncertain significance. Review status: criteria provided, multiple submitters, no conflicts (2 of 4 stars). 2 submissions from 2 submitters: Uncertain significance (2). Last evaluated 2020-02-19.

Submissions (2):

GeneDx
Classification: Uncertain significance. Last evaluated: 2020-02-19. Review status: criteria provided, single submitter. Criteria: GeneDx Variant Classification Process June 2021. Collection method: clinical testing. Allele origin: germline. Affected: yes.
Comment: Not observed in large population cohorts (Lek et al., 2016); In silico analysis supports that this missense variant does not alter protein structure/function; Has not been previously published as pathogenic or benign to our knowledge

Breakthrough Genomics
Classification: Uncertain significance. Review status: criteria provided, single submitter. Criteria: ACMG Guidelines, 2015. Collection method: not provided. Allele origin: germline. Inheritance: Autosomal recessive inheritance. Affected: yes.